The following is an entry in ClinVar:

ClinVar aggregate classification (germline): Uncertain significance (1 of 4 stars; one submission).

Conditions:
Polyglandular autoimmune syndrome, type 1 (APS1). Also called: Autoimmune polyendocrinopathy syndrome, type I; Autoimmune polyendocrinopathy syndrome , type I, with or without reversible metaphyseal dysplasia; AUTOIMMUNE POLYENDOCRINE SYNDROME, TYPE I, WITH OR WITHOUT REVERSIBLE METAPHYSEAL DYSPLASIA; APS I; PGA I; Autoimmune polyendocrine syndrome type 1. Identifiers: Orphanet 3453, MedGen C0085859, MONDO:0009411, OMIM 240300.

Allele frequency attached by ClinVar (database versions not stated): gnomAD 0.00001; TOPMed 0.00001.
gnomAD v4.1: 5 of 1,564,164 alleles (0.00032%); highest among the groups gnomAD compares: African/African-American, 0.0041%; no homozygotes.

Submission:

Labcorp Genetics (formerly Invitae), Labcorp
Classification: Uncertain significance for Polyglandular autoimmune syndrome, type 1. Last evaluated: 2021-09-01. Review status: criteria provided, single submitter. Criteria: Invitae Variant Classification Sherloc (09022015). Collection method: clinical testing. Allele origin: germline.
Comment: This sequence change replaces proline with threonine at codon 355 of the AIRE protein (p.Pro355Thr). The proline residue is moderately conserved and there is a small physicochemical difference between proline and threonine. This variant is not present in population databases (ExAC no frequency). This variant has not been reported in the literature in individuals affected with AIRE-related conditions. Algorithms developed to predict the effect of missense changes on protein structure and function output the following: SIFT: "Tolerated"; PolyPhen-2: "Benign"; Align-GVGD: "Class C0". The threonine amino acid residue is found in multiple mammalian species, which suggests that this missense change does not adversely affect protein function. In summary, the available evidence is currently insufficient to determine the role of this variant in disease. Therefore, it has been classified as a Variant of Uncertain Significance.

NM_000383.4(AIRE):c.1063C>A (p.Pro355Thr)

Gene: AIRE (autoimmune regulator; plus strand). Cytogenetic location: 21q22.3.
Variant type: single nucleotide variant.
Coding change: c.1063C>A on transcript NM_000383.4 (MANE Select); coding-DNA position 1063, C replaced by A.
Protein change: p.Pro355Thr; replaces proline 355 with threonine.
Molecular consequence: missense variant.
Genome position (GRCh38, 1-based): chr21:44,292,369, C>A. VCF-style: chr21-44292369-C-A. GRCh37 (hg19) VCF-style: chr21-45712252-C-A.
Other names: short protein forms P355T.
Identifiers: ClinVar variation 576673 (VCV000576673.6), dbSNP rs1405678537, ClinGen allele CA410425184.
Genomic context (GRCh38, chr21:44,292,369, plus strand): 5'-TGGAGGTGCTCCAGCTGCCTGCAGGCAACAGTCCAGGAGGTGCAGCCCCGGGCAGAGGAG[C>A]CCCGGCCCCAGGAGCCACCCGTGGAGACCCCGGTATGGCCACGCCCCCTCCTAGCCGGGC-3'
Protein context (NP_000374.1, residues 345-365): VQEVQPRAEE[Pro355Thr]RPQEPPVETP